The following is an entry in ClinVar:

ClinVar aggregate classification (germline): Conflicting classifications of pathogenicity. Review status: criteria provided, conflicting classifications (1 of 4 stars). 3 submissions from 3 submitters: Uncertain significance (2); Likely benign (1). Last evaluated 2025-12-08.

Conditions:
Adams-Oliver syndrome 5 (AOS5). Identifiers: Orphanet 974, MedGen C4014970, MONDO:0014459, OMIM 616028.
Familial thoracic aortic aneurysm and aortic dissection (TAAD). Also called: Thoracic aortic aneurysms and dissections. Identifiers: Orphanet 91387, MedGen C4707243, MONDO:0019625.

Allele frequency attached by ClinVar (database versions not stated): TOPMed below 0.00001; ExAC 0.00001; gnomAD exomes 0.00001; gnomAD 0.00003.

Submissions (3):

Labcorp Genetics (formerly Invitae), Labcorp
Classification: Likely benign for Adams-Oliver syndrome 5. Last evaluated: 2025-12-08. Review status: criteria provided, single submitter. Criteria: Invitae Variant Classification Sherloc (09022015). Collection method: clinical testing. Allele origin: germline.

Ambry Genetics
Classification: Uncertain significance for Familial thoracic aortic aneurysm and aortic dissection. Last evaluated: 2025-08-19. Review status: criteria provided, single submitter. Criteria: Ambry Variant Classification Scheme 2023. Collection method: clinical testing. Allele origin: germline.
Comment: The p.D1095N variant (also known as c.3283G>A), located in coding exon 20 of the NOTCH1 gene, results from a G to A substitution at nucleotide position 3283. The aspartic acid at codon 1095 is replaced by asparagine, an amino acid with highly similar properties. This amino acid position is highly conserved in available vertebrate species. In addition, the in silico prediction for this alteration is inconclusive. Since supporting evidence is limited at this time, the clinical significance of this alteration remains unclear.

Institute of Medical Genetics and Applied Genomics, University Hospital Tübingen
Classification: Uncertain significance for Adams-Oliver syndrome 5. Last evaluated: 2022-11-18. Review status: criteria provided, single submitter. Criteria: ACMG Guidelines, 2015. Collection method: clinical testing. Allele origin: de novo. Inheritance: Autosomal dominant inheritance. Affected: yes.

NM_017617.5(NOTCH1):c.3283G>A (p.Asp1095Asn)

Gene: NOTCH1 (notch receptor 1; minus strand). Cytogenetic location: 9q34.3.
Variant type: single nucleotide variant.
Coding change: c.3283G>A on transcript NM_017617.5 (MANE Select); coding-DNA position 3283, G replaced by A.
Protein change: p.Asp1095Asn; replaces aspartic acid 1095 with asparagine.
Molecular consequence: missense variant.
Genome position (GRCh38, 1-based): chr9:136,508,274, C>T on the plus strand (G>A on the coding strand, the complement: NOTCH1 is on the minus strand). VCF-style: chr9-136508274-C-T. GRCh37 (hg19) VCF-style: chr9-139402726-C-T.
Other names: short protein forms D1095N.
Identifiers: ClinVar variation 1727058 (VCV001727058.7), dbSNP rs774818130, ClinGen allele CA5340997.